The following is an entry in ClinVar:

ClinVar aggregate classification (germline): Uncertain significance (1 of 4 stars; one submission).

Submission:

GeneDx
Classification: Uncertain significance. Last evaluated: 2019-09-28. Review status: criteria provided, single submitter. Criteria: GeneDx Variant Classification Process June 2021. Collection method: clinical testing. Allele origin: germline. Affected: yes.
Comment: Not observed in large population cohorts (Lek et al., 2016); In silico analysis, which includes protein predictors and evolutionary conservation, supports a deleterious effect; Has not been previously published as pathogenic or benign to our knowledge

NM_002470.4(MYH3):c.2055G>A (p.Met685Ile)

Gene: MYH3 (myosin heavy chain 3; minus strand). Cytogenetic location: 17p13.1.
Variant type: single nucleotide variant.
Coding change: c.2055G>A on transcript NM_002470.4 (MANE Select); coding-DNA position 2055, G replaced by A.
Protein change: p.Met685Ile; replaces methionine 685 with isoleucine.
Molecular consequence: missense variant.
Genome position (GRCh38, 1-based): chr17:10,641,195, C>T on the plus strand (G>A on the coding strand, the complement: MYH3 is on the minus strand). VCF-style: chr17-10641195-C-T. GRCh37 (hg19) VCF-style: chr17-10544512-C-T.
Other names: short protein forms M685I.
Identifiers: ClinVar variation 1308768 (VCV001308768.2), dbSNP rs2142401886, ClinGen allele CA398167122.